The following is an entry in ClinVar:

ClinVar aggregate classification (germline): Uncertain significance (1 of 4 stars; one submission).

Conditions:
Agammaglobulinemia 2, autosomal recessive (AGM2). Also called: AGAMMAGLOBULINEMIA, AUTOSOMAL RECESSIVE, DUE TO IGLL1 DEFECT. Identifiers: MedGen C3150750, MONDO:0013287, OMIM 613500.

Submission:

Labcorp Genetics (formerly Invitae), Labcorp
Classification: Uncertain significance for Agammaglobulinemia 2, autosomal recessive. Last evaluated: 2026-01-12. Review status: criteria provided, single submitter. Criteria: Invitae Variant Classification Sherloc (09022015). Collection method: clinical testing. Allele origin: germline.
Comment: This sequence change replaces methionine, which is neutral and non-polar, with valine, which is neutral and non-polar, at codon 162 of the IGLL1 protein (p.Met162Val). This variant is present in population databases (rs760726644, gnomAD 0.003%). This variant has not been reported in the literature in individuals affected with IGLL1-related conditions. An algorithm developed to predict the effect of missense changes on protein structure and function (PolyPhen-2) suggests that this variant is likely to be tolerated. In summary, the available evidence is currently insufficient to determine the role of this variant in disease. Therefore, it has been classified as a Variant of Uncertain Significance.

NM_020070.4(IGLL1):c.484A>G (p.Met162Val)

Gene: IGLL1 (immunoglobulin lambda like polypeptide 1; minus strand). Cytogenetic location: 22q11.23.
Variant type: single nucleotide variant.
Coding change: c.484A>G on transcript NM_020070.4 (MANE Select); coding-DNA position 484, A replaced by G.
Protein change: p.Met162Val; replaces methionine 162 with valine.
Molecular consequence: missense variant. On other transcripts: 3 prime UTR variant (1).
Genome position (GRCh38, 1-based): chr22:23,573,424, T>C on the plus strand (A>G on the coding strand, the complement: IGLL1 is on the minus strand). VCF-style: chr22-23573424-T-C. GRCh37 (hg19) VCF-style: chr22-23915611-T-C.
Other names: c.487A>G, p.Met163Val (NM_001369906.1); c.*113A>G (NM_152855.3); short protein forms M162V, M163V.
Identifiers: ClinVar variation 4734883 (VCV004734883.1).
Genomic context (GRCh38, chr22:23,573,424, plus strand): 5'-TCAGGCTCAGGTAGCTGCTGGCCGCGTACTTGTTGTTGCTCTGTTTGGAGGGCGTGGTCA[T>C]CTCCACGCCCTGGGTGATGGGGGTACCATCTGCCTTCCAGGTCACCGTCAAGATTCCCGG-3'
Protein context (NP_064455.1, residues 152-172): DGTPITQGVE[Met162Val]TTPSKQSNNK